The following is an entry in ClinVar:

ClinVar aggregate classification (germline): Uncertain significance (1 of 4 stars; one submission).

Conditions:
Glycine encephalopathy. Also called: Nonketotic hyperglycinemia; Non-ketotic hyperglycinemia. Identifiers: Orphanet 407, MedGen C0751748, MONDO:0011612, HP:0008288.

Submission:

Labcorp Genetics (formerly Invitae), Labcorp
Classification: Uncertain significance for Glycine encephalopathy. Last evaluated: 2022-05-19. Review status: criteria provided, single submitter. Criteria: Invitae Variant Classification Sherloc (09022015). Collection method: clinical testing. Allele origin: germline.
Comment: In summary, the available evidence is currently insufficient to determine the role of this variant in disease. Therefore, it has been classified as a Variant of Uncertain Significance. Advanced modeling of protein sequence and biophysical properties (such as structural, functional, and spatial information, amino acid conservation, physicochemical variation, residue mobility, and thermodynamic stability) performed at Invitae indicates that this missense variant is not expected to disrupt AMT protein function. This variant has not been reported in the literature in individuals affected with AMT-related conditions. This variant is not present in population databases (gnomAD no frequency). This sequence change replaces cysteine, which is neutral and slightly polar, with arginine, which is basic and polar, at codon 23 of the AMT protein (p.Cys23Arg).

NM_000481.4(AMT):c.67T>C (p.Cys23Arg)

Genes: AMT (aminomethyltransferase; minus strand), NICN1 (nicolin 1, tubulin polyglutamylase complex subunit; minus strand). Cytogenetic location: 3p21.31.
Variant type: single nucleotide variant.
Coding change: c.67T>C on transcript NM_000481.4 (MANE Select); coding-DNA position 67, T replaced by C.
Protein change: p.Cys23Arg; replaces cysteine 23 with arginine.
Molecular consequence: missense variant. On other transcripts: non-coding transcript variant (1), 3 prime UTR variant (1).
Genome position (GRCh38, 1-based): chr3:49,422,384, A>G on the plus strand (T>C on the coding strand, the complement: AMT is on the minus strand). VCF-style: chr3-49422384-A-G. GRCh37 (hg19) VCF-style: chr3-49459817-A-G.
Other names: c.67T>C, p.Cys23Arg (NM_001164710.2, NM_001164711.2, NM_001164712.2); c.*2449T>C (NM_032316.3); short protein forms C23R.
Identifiers: ClinVar variation 1992640 (VCV001992640.4), dbSNP rs2471161964, ClinGen allele CA352791418.